The following is an entry in ClinVar:

NM_003200.5(TCF3):c.28G>T (p.Val10Leu)

Gene: TCF3 (transcription factor 3; minus strand). Cytogenetic location: 19p13.3.
Variant type: single nucleotide variant.
Coding change: c.28G>T on transcript NM_003200.5 (MANE Select); coding-DNA position 28, G replaced by T.
Protein change: p.Val10Leu; replaces valine 10 with leucine.
Molecular consequence: missense variant.
Genome position (GRCh38, 1-based): chr19:1,650,221, C>A on the plus strand (G>T on the coding strand, the complement: TCF3 is on the minus strand). VCF-style: chr19-1650221-C-A. GRCh37 (hg19) VCF-style: chr19-1650220-C-A.
Other names: c.28G>T, p.Val10Leu (NM_001136139.4, NM_001351778.2, NM_001351779.2); short protein forms V10L.
Identifiers: ClinVar variation 4781381 (VCV004781381.1).

ClinVar aggregate classification (germline): Uncertain significance (1 of 4 stars; one submission).

gnomAD v4.1: 1 of 1,571,940 alleles (0.000064%); highest among the groups gnomAD compares: Admixed American, 0.0019%; no homozygotes.

Submission:

Labcorp Genetics (formerly Invitae), Labcorp
Classification: Uncertain significance. Last evaluated: 2025-09-22. Review status: criteria provided, single submitter. Criteria: Invitae Variant Classification Sherloc (09022015). Collection method: clinical testing. Allele origin: germline.
Comment: This sequence change replaces valine, which is neutral and non-polar, with leucine, which is neutral and non-polar, at codon 10 of the TCF3 protein (p.Val10Leu). This variant is not present in population databases (gnomAD no frequency). This variant has not been reported in the literature in individuals affected with TCF3-related conditions. Invitae Evidence Modeling of protein sequence and biophysical properties (such as structural, functional, and spatial information, amino acid conservation, physicochemical variation, residue mobility, and thermodynamic stability) indicates that this missense variant is not expected to disrupt TCF3 protein function with a negative predictive value of 80%. In summary, the available evidence is currently insufficient to determine the role of this variant in disease. Therefore, it has been classified as a Variant of Uncertain Significance.